The following is an entry in ClinVar:

ClinVar aggregate classification (germline): Uncertain significance. Review status: criteria provided, multiple submitters, no conflicts (2 of 4 stars). 3 submissions from 3 submitters: Uncertain significance (3). Last evaluated 2025-01-21.

Conditions:
Hereditary cancer-predisposing syndrome. Also called: Hereditary neoplastic syndrome; Tumor predisposition; Neoplastic Syndromes, Hereditary; Hereditary Cancer Syndrome. Identifiers: Orphanet 140162, MedGen C0027672, MeSH D009386, MONDO:0015356.

Allele frequency attached by ClinVar (database versions not stated): gnomAD exomes below 0.00001.
gnomAD v4.1: 2 of 1,611,778 alleles (0.00012%); highest among the groups gnomAD compares: East Asian, 0.0022%; no homozygotes.

Submissions (3):

Ambry Genetics
Classification: Uncertain significance for Hereditary cancer-predisposing syndrome. Last evaluated: 2025-01-21. Review status: criteria provided, single submitter. Criteria: Ambry Variant Classification Scheme 2023. Collection method: clinical testing. Allele origin: germline.
Comment: The p.E1266K variant (also known as c.3796G>A) is located in coding exon 31 of the POLE gene. The glutamic acid at codon 1266 is replaced by lysine, an amino acid with similar properties. This change occurs in the first base pair of coding exon 31. This amino acid position is highly conserved in available vertebrate species. In addition, this alteration is predicted to be tolerated by in silico analysis. Based on the available evidence, the clinical significance of this variant remains unclear.

GeneDx
Classification: Uncertain significance. Last evaluated: 2024-09-05. Review status: criteria provided, single submitter. Criteria: GeneDx Variant Classification Process June 2021. Collection method: clinical testing. Allele origin: germline. Affected: yes.
Comment: Not observed at significant frequency in large population cohorts (gnomAD); In silico analysis supports a deleterious effect on splicing; In silico analysis indicates that this missense variant does not alter protein structure/function; Has not been previously published as pathogenic or benign to our knowledge

Labcorp Genetics (formerly Invitae), Labcorp
Classification: Uncertain significance. Last evaluated: 2020-12-20. Review status: criteria provided, single submitter. Criteria: Invitae Variant Classification Sherloc (09022015). Collection method: clinical testing. Allele origin: germline.
Comment: In summary, the available evidence is currently insufficient to determine the role of this variant in disease. Therefore, it has been classified as a Variant of Uncertain Significance. Algorithms developed to predict the effect of sequence changes on RNA splicing suggest that this variant may disrupt the consensus splice site, but this prediction has not been confirmed by published transcriptional studies. Algorithms developed to predict the effect of missense changes on protein structure and function (SIFT, PolyPhen-2, Align-GVGD) all suggest that this variant is likely to be tolerated, but these predictions have not been confirmed by published functional studies and their clinical significance is uncertain. This variant has not been reported in the literature in individuals with POLE-related disease. This variant is not present in population databases (ExAC no frequency). This sequence change replaces glutamic acid with lysine at codon 1266 of the POLE protein (p.Glu1266Lys). The glutamic acid residue is highly conserved and there is a small physicochemical difference between glutamic acid and lysine.

NM_006231.4(POLE):c.3796G>A (p.Glu1266Lys)

Gene: POLE (DNA polymerase epsilon, catalytic subunit; minus strand). Cytogenetic location: 12q24.33.
Variant type: single nucleotide variant.
Coding change: c.3796G>A on transcript NM_006231.4 (MANE Select); coding-DNA position 3796, G replaced by A.
Protein change: p.Glu1266Lys; replaces glutamic acid 1266 with lysine.
Molecular consequence: missense variant.
Genome position (GRCh38, 1-based): chr12:132,649,515, C>T on the plus strand (G>A on the coding strand, the complement: POLE is on the minus strand). VCF-style: chr12-132649515-C-T. GRCh37 (hg19) VCF-style: chr12-133226101-C-T.
Other names: c.3796G>A (NM_006231.2); short protein forms E1266K.
Identifiers: ClinVar variation 655731 (VCV000655731.12), dbSNP rs984562653, ClinGen allele CA246310366.